The following is an entry in ClinVar:

ClinVar aggregate classification (germline): Uncertain significance (1 of 4 stars; one submission).

gnomAD v4.1: 1 of 1,614,000 alleles (0.000062%); highest among the groups gnomAD compares: Non-Finnish European, 0.000085%; no homozygotes.

Submission:

Labcorp Genetics (formerly Invitae), Labcorp
Classification: Uncertain significance. Last evaluated: 2021-05-04. Review status: criteria provided, single submitter. Criteria: Invitae Variant Classification Sherloc (09022015). Collection method: clinical testing. Allele origin: germline.
Comment: In summary, the available evidence is currently insufficient to determine the role of this variant in disease. Therefore, it has been classified as a Variant of Uncertain Significance. Algorithms developed to predict the effect of missense changes on protein structure and function are either unavailable or do not agree on the potential impact of this missense change (SIFT: "Deleterious"; PolyPhen-2: "Benign"; Align-GVGD: "Class C65"). This variant has not been reported in the literature in individuals with FAT1-related conditions. This variant is not present in population databases (ExAC no frequency). This sequence change replaces aspartic acid with alanine at codon 3101 of the FAT1 protein (p.Asp3101Ala). The aspartic acid residue is highly conserved and there is a moderate physicochemical difference between aspartic acid and alanine.

NM_005245.4(FAT1):c.9302A>C (p.Asp3101Ala)

Gene: FAT1 (FAT atypical cadherin 1; minus strand). Cytogenetic location: 4q35.2.
Variant type: single nucleotide variant.
Coding change: c.9302A>C on transcript NM_005245.4 (MANE Select); coding-DNA position 9302, A replaced by C.
Protein change: p.Asp3101Ala; replaces aspartic acid 3101 with alanine.
Molecular consequence: missense variant.
Genome position (GRCh38, 1-based): chr4:186,613,270, T>G on the plus strand (A>C on the coding strand, the complement: FAT1 is on the minus strand). VCF-style: chr4-186613270-T-G. GRCh37 (hg19) VCF-style: chr4-187534424-T-G.
Other names: short protein forms D3101A.
Identifiers: ClinVar variation 1471691 (VCV001471691.8), dbSNP rs1247995077, ClinGen allele CA358957172.